The following is an entry in ClinVar:

ClinVar aggregate classification (germline): Benign/Likely benign. Review status: criteria provided, multiple submitters, no conflicts (2 of 4 stars). 13 submissions from 13 submitters: Benign (5); Likely benign (8). Last evaluated 2026-01-22.

Conditions:
Peutz-Jeghers syndrome (PJS). Also called: Peutz-Jeghers polyposis; Periorificial lentiginosis syndrome; POLYPOSIS, HAMARTOMATOUS INTESTINAL; POLYPS-AND-SPOTS SYNDROME. Identifiers: Orphanet 2869, MedGen C0031269, MeSH D010580, MONDO:0008280, OMIM 175200.
Familial pancreatic carcinoma. Identifiers: Orphanet 1333, MedGen C2931038, MONDO:0015278, OMIM 260350.
Melanoma, cutaneous malignant, susceptibility to, 1 (CMM1). Also called: DYSPLASTIC NEVUS SYNDROME, HEREDITARY; FAMILIAL ATYPICAL MOLE-MALIGNANT MELANOMA SYNDROME; MELANOMA, MALIGNANT; B-K MOLE SYNDROME. Identifiers: Orphanet 618, MedGen C1835047, MONDO:0007963, OMIM 155600.
Germ cell tumor of testis (TGCT). Also called: Testicular germ cell tumor; GERM CELL TUMOR, SOMATIC. Identifiers: Orphanet 363504, MedGen C1336708, MONDO:0010108, OMIM 273300.
Hereditary cancer-predisposing syndrome. Also called: Tumor predisposition; Neoplastic Syndromes, Hereditary; Hereditary Cancer Syndrome; Hereditary neoplastic syndrome. Identifiers: Orphanet 140162, MedGen C0027672, MeSH D009386, MONDO:0015356.

Allele frequency attached by ClinVar (database versions not stated): gnomAD exomes 0.00002 and 0.00003; gnomAD 0.00003 and 0.00004; ExAC 0.00005; TOPMed 0.00006; ESP Exome Variant Server 0.00008.

Submissions (13):

Labcorp Genetics (formerly Invitae), Labcorp
Classification: Likely benign for Peutz-Jeghers syndrome. Last evaluated: 2026-01-22. Review status: criteria provided, single submitter. Criteria: Invitae Variant Classification Sherloc (09022015). Collection method: clinical testing. Allele origin: germline.

Myriad Genetics, Inc.
Classification: Benign for Peutz-Jeghers syndrome. Last evaluated: 2025-03-26. Review status: criteria provided, single submitter. Criteria: Myriad Autosomal Dominant, Autosomal Recessive and X-Linked Classification Criteria (2023). Collection method: clinical testing. Allele origin: unknown.
Comment: This variant is considered benign. This variant is a silent/synonymous amino acid change and it is not expected to impact splicing.

Center for Genomic Medicine, Rigshospitalet, Copenhagen University Hospital
Classification: Likely benign. Last evaluated: 2025-03-04. Review status: criteria provided, single submitter. Criteria: ACMG Guidelines, 2015. Collection method: clinical testing. Allele origin: germline.

CeGaT Center for Human Genetics Tuebingen
Classification: Likely benign. Last evaluated: 2024-11-01. Review status: criteria provided, single submitter. Criteria: CeGaT Center For Human Genetics Tuebingen Variant Classification Criteria Version 2. Collection method: clinical testing. Allele origin: germline. Affected: yes. Observed: 1 variant allele.
Comment: STK11: BP4, BP7

All of Us Research Program, National Institutes of Health
Classification: Likely benign for Peutz-Jeghers syndrome. Last evaluated: 2024-02-05. Review status: criteria provided, single submitter. Criteria: ACMG Guidelines, 2015. Collection method: clinical testing. Allele origin: germline. Inheritance: Autosomal dominant inheritance. Observed: 14 variant alleles, 14 heterozygotes.
Comment: This study involves interpretation of variants in research participants for the purpose of population health screening. Participant phenotype was not available at the time of variant classification. Additional details can be found in publication PMID: 35346344, PMCID: PMC8962531

Genome-Nilou Lab
Classification: Likely benign for Peutz-Jeghers syndrome. Last evaluated: 2021-07-15. Review status: criteria provided, single submitter. Criteria: ACMG Guidelines, 2015. Collection method: clinical testing. Allele origin: germline. Affected: no.

Quest Diagnostics Nichols Institute San Juan Capistrano
Classification: Benign. Last evaluated: 2021-06-19. Review status: criteria provided, single submitter. Criteria: Quest Diagnostics criteria. Collection method: clinical testing. Allele origin: unknown.

Department of Pathology and Laboratory Medicine, Sinai Health System
Classification: Likely benign for Melanoma, cutaneous malignant, susceptibility to, 1; Peutz-Jeghers syndrome; Familial pancreatic carcinoma; Germ cell tumor of testis. Last evaluated: 2021-06-14. Review status: criteria provided, single submitter. Criteria: ACMG Guidelines, 2015. Collection method: clinical testing. Allele origin: germline. Affected: yes.

Sema4
Classification: Benign for Hereditary cancer-predisposing syndrome. Last evaluated: 2021-02-08. Review status: criteria provided, single submitter. Criteria: Sema4 Curation Guidelines. Collection method: curation. Allele origin: germline.

Women's Health and Genetics/Laboratory Corporation of America, LabCorp
Classification: Benign. Last evaluated: 2017-10-20. Review status: criteria provided, single submitter. Criteria: LabCorp Variant Classification Summary - May 2015. Collection method: clinical testing. Allele origin: germline.
Comment: Variant summary: The STK11 c.651G>A (p.Pro217Pro) variant involves the alteration of a non-conserved nucleotide located in the protein kinase domain (IPR000719) (InterPro), resulting in a synonymous change. Mutation taster predicts a damaging outcome for this variant. 4/5 splice prediction tools predict no significant impact on normal splicing. ESEfinder predicts that this variant may affect binding of ESE sites. However, these predictions have yet to be confirmed by functional studies. This variant was found in 10/263042 control chromosomes at a frequency of 0.000038 (gnomAD), which is approximately 6 times the estimated maximal expected allele frequency of a pathogenic STK11 variant (0.0000063), suggesting this variant is likely a benign polymorphism. In addition, multiple clinical diagnostic laboratories/reputable databases classified this variant as likely benign/benign. The variant of interest has not, to our knowledge, been reported in affected individuals via publications and/or reputable databases/clinical diagnostic laboratories. Taken together, this variant is classified as benign.

Color Diagnostics, LLC DBA Color Health
Classification: Likely benign for Hereditary cancer-predisposing syndrome. Last evaluated: 2015-11-12. Review status: criteria provided, single submitter. Criteria: ACMG Guidelines, 2015. Collection method: clinical testing. Allele origin: germline.

GeneDx
Classification: Benign. Last evaluated: 2015-06-29. Review status: criteria provided, single submitter. Criteria: GeneDx Variant Classification (06012015). Collection method: clinical testing. Allele origin: germline. Affected: yes.
Comment: This variant is considered likely benign or benign based on one or more of the following criteria: it is a conservative change, it occurs at a poorly conserved position in the protein, it is predicted to be benign by multiple in silico algorithms, and/or has population frequency not consistent with disease.

Ambry Genetics
Classification: Likely benign for Hereditary cancer-predisposing syndrome. Last evaluated: 2014-12-18. Review status: criteria provided, single submitter. Criteria: Ambry Variant Classification Scheme 2023. Collection method: clinical testing. Allele origin: germline.

NM_000455.5(STK11):c.651G>A (p.Pro217=)

Gene: STK11 (serine/threonine kinase 11; plus strand). Cytogenetic location: 19p13.3.
Variant type: single nucleotide variant.
Coding change: c.651G>A on transcript NM_000455.5 (MANE Select); coding-DNA position 651, G replaced by A.
Protein change: p.Pro217=; no amino-acid change (proline 217 retained).
Molecular consequence: synonymous variant.
Genome position (GRCh38, 1-based): chr19:1,220,634, G>A. VCF-style: chr19-1220634-G-A. GRCh37 (hg19) VCF-style: chr19-1220633-G-A.
Identifiers: ClinVar variation 184161 (VCV000184161.39), dbSNP rs368348370, ClinGen allele CA023204.